The following is an entry in ClinVar:

NM_000135.4(FANCA):c.4064A>T (p.His1355Leu)

Genes: FANCA (FA complementation group A; minus strand), ZNF276 (zinc finger protein 276; plus strand). Cytogenetic location: 16q24.3.
Variant type: single nucleotide variant.
Coding change: c.4064A>T on transcript NM_000135.4 (MANE Select); coding-DNA position 4064, A replaced by T.
Protein change: p.His1355Leu; replaces histidine 1355 with leucine.
Molecular consequence: missense variant. On other transcripts: 3 prime UTR variant (2), non-coding transcript variant (4).
Genome position (GRCh38, 1-based): chr16:89,739,236, T>A on the plus strand (A>T on the coding strand, the complement: FANCA is on the minus strand). VCF-style: chr16-89739236-T-A. GRCh37 (hg19) VCF-style: chr16-89805644-T-A.
Other names: c.4064A>T, p.His1355Leu (NM_001286167.3); c.*990T>A (NM_001113525.2, NM_152287.4); c.4064A>T (NM_000135.3); short protein forms H1355L.
Identifiers: ClinVar variation 321327 (VCV000321327.29), dbSNP rs145886270, ClinGen allele CA8250797.
Genomic context (GRCh38, chr16:89,739,236, plus strand): 5'-GTGCTTGTATCCCCAGCCACGAAGAGCTGGACCAGCTTCAAGTACATGTCCACAGCAACA[T>A]GCAGGAAGGCCTCTTCCCTGATGGCCGCGTCTTCATGGAAGTAGGAGAGAAGACTAGAGG-3'
Protein context (NP_000126.2, residues 1345-1365): DAAIREEAFL[His1355Leu]VAVDMYLKLV

ClinVar aggregate classification (germline): Conflicting classifications of pathogenicity. Review status: criteria provided, conflicting classifications (1 of 4 stars). 11 submissions from 11 submitters: Uncertain significance (9); Likely benign (1). 1 of the submissions does not count toward it. Last evaluated 2026-04-03.

Conditions:
Fanconi anemia (FA). Also called: Fanconi's anemia. Identifiers: Orphanet 84, MedGen C0015625, MeSH D005199, MONDO:0019391.
Inborn genetic diseases. Identifiers: MedGen C0950123, MeSH D030342.
Fanconi anemia complementation group A (FANCA). Also called: FANCA-Related Fanconi Anemia; Fanconi anemia, group A. Identifiers: Orphanet 84, MedGen C3469521, MONDO:0009215, OMIM 227650.

Allele frequency attached by ClinVar (database versions not stated): gnomAD 0.00006 and 0.00008; ExAC 0.00010; TOPMed 0.00010; ESP Exome Variant Server 0.00015; 1000 Genomes Project 0.00020; 1000 Genomes Project 30x 0.00031.
gnomAD v4.1: 146 of 1,614,150 alleles (0.009%); highest among the groups gnomAD compares: South Asian, 0.014%; no homozygotes.

Submissions (11):

Dasa
Classification: Uncertain significance. Last evaluated: 2026-04-03. Review status: criteria provided, single submitter. Criteria: DASA Assertion Criteria. Collection method: clinical testing. Allele origin: germline.
Comment: NM_000135.4(FANCA):c.4064A>T (p.His1355Leu) is a missense variant that results in the substitution of histidine with leucine. This variant is rare in population databases. The currently available literature and clinical evidence are not sufficient to establish a definitive association between this variant and the reported condition. Therefore, this variant is classified as a variant of uncertain significance.

Labcorp Genetics (formerly Invitae), Labcorp
Classification: Likely benign for Fanconi anemia. Last evaluated: 2025-12-26. Review status: criteria provided, single submitter. Criteria: Invitae Variant Classification Sherloc (09022015). Collection method: clinical testing. Allele origin: germline.

Quest Diagnostics Nichols Institute San Juan Capistrano
Classification: Uncertain significance. Last evaluated: 2025-04-25. Review status: criteria provided, single submitter. Criteria: Quest Diagnostics criteria. Collection method: clinical testing. Allele origin: unknown.
Comment: The FANCA c.4064A>T (p.His1355Leu) variant has been reported in the published literature in individuals with ovarian cancer (PMID: 32546565 (2021)). The frequency of this variant in the general population (Genome Aggregation Database) is uninformative in the assessment of its pathogenicity. Analysis of this variant using bioinformatics tools for the prediction of the effect of amino acid changes on protein structure and function yielded predictions that this variant is benign. Based on the available information, we are unable to determine the clinical significance of this variant.

Blueprint Genetics
Classification: Uncertain significance. Last evaluated: 2024-11-26. Review status: criteria provided, single submitter. Criteria: ACMG Guidelines, 2015. Collection method: clinical testing. Allele origin: germline.

Ambry Genetics
Classification: Uncertain significance for Inborn genetic diseases. Last evaluated: 2024-09-26. Review status: criteria provided, single submitter. Criteria: Ambry Variant Classification Scheme 2023. Collection method: clinical testing. Allele origin: germline.

Fulgent Genetics
Classification: Uncertain significance for Fanconi anemia complementation group A. Last evaluated: 2024-05-13. Review status: criteria provided, single submitter. Criteria: ACMG Guidelines, 2015. Collection method: clinical testing. Allele origin: germline.

GeneDx
Classification: Uncertain significance. Last evaluated: 2021-08-28. Review status: criteria provided, single submitter. Criteria: GeneDx Variant Classification Process June 2021. Collection method: clinical testing. Allele origin: germline. Affected: yes.
Comment: Has not been previously published as pathogenic or benign to our knowledge; In silico analysis, which includes protein predictors and evolutionary conservation, supports a deleterious effect

Genome-Nilou Lab
Classification: Uncertain significance for Fanconi anemia complementation group A. Last evaluated: 2021-07-14. Review status: criteria provided, single submitter. Criteria: ACMG Guidelines, 2015. Collection method: clinical testing. Allele origin: germline. Affected: no.

Baylor Genetics
Classification: Uncertain significance for Fanconi anemia complementation group A. Last evaluated: 2020-11-23. Review status: criteria provided, single submitter. Criteria: ACMG Guidelines, 2015. Collection method: clinical testing. Allele origin: unknown. Affected: yes. Study: CSER-TexasKidsCanSeq.
Comment: This variant was determined to be of uncertain significance according to ACMG Guidelines, 2015 [PMID:25741868].

Illumina Laboratory Services, Illumina
Classification: Uncertain significance for Fanconi anemia complementation group A. Last evaluated: 2018-01-12. Review status: criteria provided, single submitter. Criteria: ICSL Variant Classification Criteria 13 December 2019. Collection method: clinical testing. Allele origin: germline.

Natera, Inc.
Classification: Uncertain significance for Fanconi anemia. Last evaluated: 2019-10-28. Review status: no assertion criteria provided. Collection method: clinical testing. Allele origin: germline. Not counted in ClinVar's aggregate classification.

Literature cited by the submitters: PubMed 32546565 (cited by Quest Diagnostics Nichols Institute San Juan Capistrano).